The following is an entry in ClinVar:

ClinVar aggregate classification (germline): Uncertain significance (1 of 4 stars; one submission).

Conditions:
Cardiovascular phenotype. Identifiers: MedGen CN230736.

Allele frequency attached by ClinVar (database versions not stated): gnomAD exomes below 0.00001; gnomAD 0.00001; TOPMed 0.00001; ExAC 0.00002.
gnomAD v4.1: 6 of 1,597,614 alleles (0.00038%); highest among the groups gnomAD compares: African/African-American, 0.0041%; no homozygotes.

Submission:

Ambry Genetics
Classification: Uncertain significance for Cardiovascular phenotype. Last evaluated: 2023-06-03. Review status: criteria provided, single submitter. Criteria: Ambry Variant Classification Scheme 2023. Collection method: clinical testing. Allele origin: germline.
Comment: The p.H190R variant (also known as c.569A>G), located in coding exon 6 of the TECRL gene, results from an A to G substitution at nucleotide position 569. The histidine at codon 190 is replaced by arginine, an amino acid with highly similar properties. This amino acid position is conserved. In addition, the in silico prediction for this alteration is inconclusive. Since supporting evidence is limited at this time, the clinical significance of this alteration remains unclear.

NM_001010874.5(TECRL):c.569A>G (p.His190Arg)

Gene: TECRL (trans-2,3-enoyl-CoA reductase like; minus strand). Cytogenetic location: 4q13.1.
Variant type: single nucleotide variant.
Coding change: c.569A>G on transcript NM_001010874.5 (MANE Select); coding-DNA position 569, A replaced by G.
Protein change: p.His190Arg; replaces histidine 190 with arginine.
Molecular consequence: missense variant.
Genome position (GRCh38, 1-based): chr4:64,309,914, T>C on the plus strand (A>G on the coding strand, the complement: TECRL is on the minus strand). VCF-style: chr4-64309914-T-C. GRCh37 (hg19) VCF-style: chr4-65175632-T-C.
Other names: c.569A>G, p.His190Arg (NM_001363796.1); short protein forms H190R.
Identifiers: ClinVar variation 2564185 (VCV002564185.2), dbSNP rs757762403, ClinGen allele CA2935465.